The following is an entry in ClinVar:

NM_032043.3(BRIP1):c.2462C>T (p.Ala821Val)

Gene: BRIP1 (BRCA1 interacting DNA helicase 1; minus strand). Cytogenetic location: 17q23.2.
Variant type: single nucleotide variant.
Coding change: c.2462C>T on transcript NM_032043.3 (MANE Select); coding-DNA position 2462, C replaced by T.
Protein change: p.Ala821Val; replaces alanine 821 with valine.
Molecular consequence: missense variant.
Genome position (GRCh38, 1-based): chr17:61,715,981, G>A on the plus strand (C>T on the coding strand, the complement: BRIP1 is on the minus strand). VCF-style: chr17-61715981-G-A. GRCh37 (hg19) VCF-style: chr17-59793342-G-A.
Other names: short protein forms A821V.
Identifiers: ClinVar variation 230667 (VCV000230667.17), dbSNP rs876658697, ClinGen allele CA10580803.

ClinVar aggregate classification (germline): Uncertain significance. Review status: criteria provided, multiple submitters, no conflicts (2 of 4 stars). 3 submissions from 3 submitters: Uncertain significance (3). Last evaluated 2025-07-15.

Conditions:
Fanconi anemia complementation group J. Also called: BRIP1-Related Fanconi Anemia. Identifiers: Orphanet 84, MedGen C1836860, MONDO:0012187, OMIM 609054.
Familial cancer of breast. Also called: Hereditary breast cancer; hereditary breast carcinoma; BREAST CANCER, FAMILIAL. Identifiers: Orphanet 227535, MedGen C0346153, MONDO:0016419, OMIM 114480. Disease mechanism: loss of function.
Hereditary cancer-predisposing syndrome. Also called: Hereditary Cancer Syndrome; Neoplastic Syndromes, Hereditary; Tumor predisposition; Hereditary neoplastic syndrome. Identifiers: Orphanet 140162, MedGen C0027672, MeSH D009386, MONDO:0015356.

Allele frequency attached by ClinVar (database versions not stated): gnomAD exomes below 0.00001.
gnomAD v4.1: 1 of 1,607,334 alleles (0.000062%); highest among the groups gnomAD compares: Admixed American, 0.0017%; no homozygotes.

Submissions (3):

Labcorp Genetics (formerly Invitae), Labcorp
Classification: Uncertain significance for Familial cancer of breast; Fanconi anemia complementation group J. Last evaluated: 2025-07-15. Review status: criteria provided, single submitter. Criteria: Invitae Variant Classification Sherloc (09022015). Collection method: clinical testing. Allele origin: germline.
Comment: This sequence change replaces alanine, which is neutral and non-polar, with valine, which is neutral and non-polar, at codon 821 of the BRIP1 protein (p.Ala821Val). This variant is not present in population databases (gnomAD no frequency). This variant has not been reported in the literature in individuals affected with BRIP1-related conditions. ClinVar contains an entry for this variant (Variation ID: 230667). Invitae Evidence Modeling of protein sequence and biophysical properties (such as structural, functional, and spatial information, amino acid conservation, physicochemical variation, residue mobility, and thermodynamic stability) has been performed for this missense variant. However, the output from this modeling did not meet the statistical confidence thresholds required to predict the impact of this variant on BRIP1 protein function. In summary, the available evidence is currently insufficient to determine the role of this variant in disease. Therefore, it has been classified as a Variant of Uncertain Significance.

Ambry Genetics
Classification: Uncertain significance for Hereditary cancer-predisposing syndrome. Last evaluated: 2024-02-20. Review status: criteria provided, single submitter. Criteria: Ambry Variant Classification Scheme 2023. Collection method: clinical testing. Allele origin: germline.
Comment: The p.A821V variant (also known as c.2462C>T), located in coding exon 16 of the BRIP1 gene, results from a C to T substitution at nucleotide position 2462. The alanine at codon 821 is replaced by valine, an amino acid with similar properties. This amino acid position is highly conserved in available vertebrate species. In addition, this alteration is predicted to be deleterious by in silico analysis. Since supporting evidence is limited at this time, the clinical significance of this alteration remains unclear.

Sema4
Classification: Uncertain significance for Hereditary cancer-predisposing syndrome. Last evaluated: 2021-12-29. Review status: criteria provided, single submitter. Criteria: Sema4 Curation Guidelines. Collection method: curation. Allele origin: germline.
Comment: The BRIP1 c.2462C>T (p.A821V ) variant has not been reported in literature to our knowledge. This variant was not observed in the large and broad cohorts of the Genome Aggregation Database (PMID: 32461654). This variant has been reported in ClinVar (Variation ID: 230667). In silico tools suggest the impact of the variant on protein function is deleterious, though these predictions have not been confirmed by functional studies. The overall evidence is insufficient to meet ACMG/AMP criteria for classifying the variant as benign or pathogenic. Thus, the clinical significance of this variant is currently uncertain.